The following is an entry in ClinVar:

ClinVar aggregate classification (germline): Pathogenic (1 of 4 stars; one submission).

Conditions:
NUP14 Related Disorders.

Submission:

Women's Health and Genetics/Laboratory Corporation of America, LabCorp
Classification: Pathogenic for NUP14 Related Disorders. Last evaluated: 2024-09-03. Review status: criteria provided, single submitter. Criteria: LabCorp Variant Classification Summary - May 2015. Collection method: clinical testing. Allele origin: germline.
Comment: Variant summary: NUP214 c.1926dupA (p.Val643SerfsX93) results in a premature termination codon, predicted to cause a truncation of the encoded protein or absence of the protein due to nonsense mediated decay, which are commonly known mechanisms for disease. The variant was absent in 251002 control chromosomes (gnomAD). To our knowledge, no occurrence of c.1926dupA in individuals affected with NUP14 Related Disorders and no experimental evidence demonstrating its impact on protein function have been reported. No submitters have cited clinical-significance assessments for this variant to ClinVar. Based on the evidence outlined above, the variant was classified as pathogenic.

NM_005085.4(NUP214):c.1926dup (p.Val643fs)

Gene: NUP214 (nucleoporin 214; plus strand). Cytogenetic location: 9q34.13.
Variant type: Duplication.
Coding change: c.1926dup on transcript NM_005085.4 (MANE Select); coding-DNA position 1926, one base duplicated (A; older notation c.1926dupA).
Protein change: p.Val643fs; shifts the reading frame from valine 643.
Molecular consequence: frameshift variant.
Genome position (GRCh38, 1-based): chr9:131,146,285, A duplicated. VCF-style (leftmost placement, unchanged base first): chr9-131146284-C-CA. GRCh37 (hg19) VCF-style: chr9-134021671-C-CA.
Other names: c.1893dup, p.Val632fs (NM_001318324.2); c.1926dupA (NM_005085.4); short protein forms V632fs, V643fs.
Identifiers: ClinVar variation 3375131 (VCV003375131.1).
Genomic context (GRCh38, chr9:131,146,284, plus strand): 5'-GACCACTCAGCCACCCCACACCTCTCTCAGCACCACCTAGTTCCGTGCCATTGAAGTCCT[C>CA]AGTCTTGCCCTCACCATCAGGTATGATTTTAAGCAGACAACTTTAGACCTCAGCCCTGCC-3'